The following is an entry in ClinVar:

NM_001366385.1(CARD14):c.3006C>A (p.Ser1002Arg)

Genes: CARD14 (caspase recruitment domain family member 14; plus strand), SGSH (N-sulfoglucosamine sulfohydrolase; minus strand). Cytogenetic location: 17q25.3.
Variant type: single nucleotide variant.
Coding change: c.3006C>A on transcript NM_001366385.1 (MANE Select); coding-DNA position 3006, C replaced by A.
Protein change: p.Ser1002Arg; replaces serine 1002 with arginine.
Molecular consequence: missense variant. On other transcripts: non-coding transcript variant (1).
Genome position (GRCh38, 1-based): chr17:80,208,336, C>A. VCF-style: chr17-80208336-C-A. GRCh37 (hg19) VCF-style: chr17-78182135-C-A.
Other names: p.Ser1002Arg; c.3006C>A, p.Ser1002Arg (NM_024110.4); c.3006C>A (NM_024110.3); short protein forms S1002R.
Identifiers: ClinVar variation 1039431 (VCV001039431.11), dbSNP rs984646773, ClinGen allele CA294888760.

ClinVar aggregate classification (germline): Uncertain significance. Review status: criteria provided, multiple submitters, no conflicts (2 of 4 stars). 3 submissions from 3 submitters: Uncertain significance (3). Last evaluated 2025-06-21.

Conditions:
Pityriasis rubra pilaris (PRP). Also called: Pityriasis rubra pilaris--familial type. Identifiers: Orphanet 2897, MedGen C0032027, MONDO:0100017, OMIM 173200, MONDO:0008251.
Psoriasis 2. Identifiers: MedGen C1864497, MONDO:0011269, OMIM 602723.
Inborn genetic diseases. Identifiers: MedGen C0950123, MeSH D030342.

Allele frequency attached by ClinVar (database versions not stated): gnomAD 0.00007 and 0.00009; TOPMed 0.00012.
gnomAD v4.1: 21 of 1,595,492 alleles (0.0013%); highest among the groups gnomAD compares: Admixed American, 0.021%; no homozygotes.

Submissions (3):

Mayo Clinic Laboratories, Mayo Clinic
Classification: Uncertain significance. Last evaluated: 2025-06-21. Review status: criteria provided, single submitter. Criteria: ACMG Guidelines, 2015. Collection method: clinical testing. Allele origin: germline. Observed: 1 variant allele.
Comment: BP4_strong

Labcorp Genetics (formerly Invitae), Labcorp
Classification: Uncertain significance for Pityriasis rubra pilaris; Psoriasis 2. Last evaluated: 2025-01-17. Review status: criteria provided, single submitter. Criteria: Invitae Variant Classification Sherloc (09022015). Collection method: clinical testing. Allele origin: germline.
Comment: This sequence change replaces serine, which is neutral and polar, with arginine, which is basic and polar, at codon 1002 of the CARD14 protein (p.Ser1002Arg). The frequency data for this variant in the population databases is considered unreliable, as metrics indicate poor data quality at this position in the gnomAD database. This variant has not been reported in the literature in individuals affected with CARD14-related conditions. ClinVar contains an entry for this variant (Variation ID: 1039431). Invitae Evidence Modeling of protein sequence and biophysical properties (such as structural, functional, and spatial information, amino acid conservation, physicochemical variation, residue mobility, and thermodynamic stability) indicates that this missense variant is not expected to disrupt CARD14 protein function with a negative predictive value of 95%. In summary, the available evidence is currently insufficient to determine the role of this variant in disease. Therefore, it has been classified as a Variant of Uncertain Significance.

Ambry Genetics
Classification: Uncertain significance for Inborn genetic diseases. Last evaluated: 2023-12-09. Review status: criteria provided, single submitter. Criteria: Ambry Variant Classification Scheme 2023. Collection method: clinical testing. Allele origin: germline.